The following is an entry in ClinVar:

NM_001099922.3(ALG13):c.2606C>T (p.Ala869Val)

Gene: ALG13 (ALG13 UDP-N-acetylglucosaminyltransferase subunit; plus strand). Cytogenetic location: Xq23.
Variant type: single nucleotide variant.
Coding change: c.2606C>T on transcript NM_001099922.3 (MANE Select); coding-DNA position 2606, C replaced by T.
Protein change: p.Ala869Val; replaces alanine 869 with valine.
Molecular consequence: missense variant. On other transcripts: non-coding transcript variant (1).
Genome position (GRCh38, 1-based): chrX:111,736,790, C>T. VCF-style: chrX-111736790-C-T. GRCh37 (hg19) VCF-style: chrX-110980018-C-T.
Other names: c.2294C>T, p.Ala765Val (NM_001257230.2, NM_001257234.2, NM_001257237.2); c.2372C>T, p.Ala791Val (NM_001257231.2); c.2606C>T, p.Ala869Val (NM_001324292.2); c.2120C>T, p.Ala707Val (NM_001324293.1); short protein forms A869V, A791V, A765V, A707V.
Identifiers: ClinVar variation 585384 (VCV000585384.38), dbSNP rs138712375, ClinGen allele CA10493942.

ClinVar aggregate classification (germline): Conflicting classifications of pathogenicity. Review status: criteria provided, conflicting classifications (1 of 4 stars). 5 submissions from 5 submitters: Uncertain significance (1); Benign (1); Likely benign (3). Last evaluated 2026-01-12.

Conditions:
Developmental and epileptic encephalopathy, 36 (DEE36). Also called: Epileptic encephalopathy, early infantile, 36; Congenital disorder of glycosylation, type Is; ALG13-CDG. Identifiers: Orphanet 324422, MedGen C4317295, MONDO:0010472, OMIM 300884.
Inborn genetic diseases. Identifiers: MedGen C0950123, MeSH D030342.

Allele frequency attached by ClinVar (database versions not stated): 1000 Genomes Project 0.00132; TOPMed 0.00005; gnomAD exomes 0.00006; ExAC 0.00008; gnomAD 0.00012 and 0.00013; 1000 Genomes Project 30x 0.00104.
gnomAD v4.1: 96 of 1,208,308 alleles (0.0079%); highest among the groups gnomAD compares: African/African-American, 0.07%; no homozygotes.

Submissions (5):

Labcorp Genetics (formerly Invitae), Labcorp
Classification: Benign for Developmental and epileptic encephalopathy, 36. Last evaluated: 2026-01-12. Review status: criteria provided, single submitter. Criteria: Invitae Variant Classification Sherloc (09022015). Collection method: clinical testing. Allele origin: germline.

CeGaT Center for Human Genetics Tuebingen
Classification: Likely benign. Last evaluated: 2024-07-01. Review status: criteria provided, single submitter. Criteria: CeGaT Center For Human Genetics Tuebingen Variant Classification Criteria Version 2. Collection method: clinical testing. Allele origin: germline. Affected: yes. Observed: 1 variant allele.
Comment: ALG13: BP4, BS2

Ambry Genetics
Classification: Likely benign for Inborn genetic diseases. Last evaluated: 2018-11-23. Review status: criteria provided, single submitter. Criteria: Ambry Variant Classification Scheme 2023. Collection method: clinical testing. Allele origin: germline.

GeneDx
Classification: Likely benign. Last evaluated: 2018-08-14. Review status: criteria provided, single submitter. Criteria: GeneDx Variant Classification Process June 2021. Collection method: clinical testing. Allele origin: germline. Affected: yes.

Athena Diagnostics
Classification: Uncertain significance. Last evaluated: 2018-03-02. Review status: criteria provided, single submitter. Criteria: Athena Diagnostics Criteria. Collection method: clinical testing. Allele origin: germline.